The following is an entry in ClinVar:

NM_004565.3(PEX14):c.889G>A (p.Glu297Lys)

Gene: PEX14 (peroxisomal biogenesis factor 14; plus strand). Cytogenetic location: 1p36.22.
Variant type: single nucleotide variant.
Coding change: c.889G>A on transcript NM_004565.3 (MANE Select); coding-DNA position 889, G replaced by A.
Protein change: p.Glu297Lys; replaces glutamic acid 297 with lysine.
Molecular consequence: missense variant.
Genome position (GRCh38, 1-based): chr1:10,629,742, G>A. VCF-style: chr1-10629742-G-A. GRCh37 (hg19) VCF-style: chr1-10689799-G-A.
Other names: c.889G>A (NM_004565.2); short protein forms E297K.
Identifiers: ClinVar variation 1363074 (VCV001363074.7), dbSNP rs2124650376, ClinGen allele CA338338994.
Genomic context (GRCh38, chr1:10,629,742, plus strand): 5'-GGGAAGGAGGGCCACAGCCCCGAGGGCTCCACGGTCACCTACCACTTGCTGGGCCCCCAG[G>A]AGGAAGGCGAGGGGGTGGTGGACGTCAAGGGCCAGGTGCGGATGGAGGTGCAAGGCGAGG-3'
Protein context (NP_004556.1, residues 287-307): TVTYHLLGPQ[Glu297Lys]EGEGVVDVKG

ClinVar aggregate classification (germline): Uncertain significance. Review status: criteria provided, multiple submitters, no conflicts (2 of 4 stars). 2 submissions from 2 submitters: Uncertain significance (2). Last evaluated 2025-09-03.

Conditions:
Peroxisome biogenesis disorder, complementation group K (CGK). Identifiers: MedGen C1866257, MONDO:0800365.
PEX14-related disorder. Also called: PEX14-related condition.

Allele frequency attached by ClinVar (database versions not stated): gnomAD exomes below 0.00001.
gnomAD v4.1: 4 of 1,591,254 alleles (0.00025%); highest among the groups gnomAD compares: Non-Finnish European, 0.00034%; no homozygotes.

Submissions (2):

PreventionGenetics, part of Exact Sciences
Classification: Uncertain significance for PEX14-related condition. Last evaluated: 2025-09-03. Review status: criteria provided, single submitter. Criteria: ACMG Guidelines, 2015. Collection method: clinical testing. Allele origin: germline.
Comment: The PEX14 c.889G>A variant is predicted to result in the amino acid substitution p.Glu297Lys. To our knowledge, this variant has not been reported in the literature or in a large population database (gnomAD), indicating this variant is rare. At this time, the clinical significance of this variant is uncertain due to the absence of conclusive functional and genetic evidence.

Labcorp Genetics (formerly Invitae), Labcorp
Classification: Uncertain significance for Peroxisome biogenesis disorder, complementation group K. Last evaluated: 2022-01-13. Review status: criteria provided, single submitter. Criteria: Invitae Variant Classification Sherloc (09022015). Collection method: clinical testing. Allele origin: germline.
Comment: In summary, the available evidence is currently insufficient to determine the role of this variant in disease. Therefore, it has been classified as a Variant of Uncertain Significance. Algorithms developed to predict the effect of missense changes on protein structure and function (SIFT, PolyPhen-2, Align-GVGD) all suggest that this variant is likely to be tolerated. This variant has not been reported in the literature in individuals affected with PEX14-related conditions. This variant is not present in population databases (gnomAD no frequency). This sequence change replaces glutamic acid, which is acidic and polar, with lysine, which is basic and polar, at codon 297 of the PEX14 protein (p.Glu297Lys).